The following is an entry in ClinVar:

ClinVar aggregate classification (germline): Uncertain significance. Review status: criteria provided, multiple submitters, no conflicts (2 of 4 stars). 2 submissions from 2 submitters: Uncertain significance (2). Last evaluated 2024-10-30.

Conditions:
Galactosylceramide beta-galactosidase deficiency. Also called: Leukodystrophy, Globoid Cell; Krabbe Disease; GALACTOCEREBROSIDASE DEFICIENCY; GALC DEFICIENCY; GLOBOID CELL LEUKOENCEPHALOPATHY. Identifiers: Orphanet 487, MedGen C0023521, MONDO:0009499, OMIM 245200.

gnomAD v4.1: 12 of 1,522,132 alleles (0.00079%); highest among the groups gnomAD compares: Non-Finnish European, 0.0011%; no homozygotes.

Submissions (2):

Labcorp Genetics (formerly Invitae), Labcorp
Classification: Uncertain significance for Galactosylceramide beta-galactosidase deficiency. Last evaluated: 2024-10-30. Review status: criteria provided, single submitter. Criteria: Invitae Variant Classification Sherloc (09022015). Collection method: clinical testing. Allele origin: germline.
Comment: This sequence change replaces histidine, which is basic and polar, with tyrosine, which is neutral and polar, at codon 391 of the GALC protein (p.His391Tyr). This variant is not present in population databases (gnomAD no frequency). This variant has not been reported in the literature in individuals affected with GALC-related conditions. An algorithm developed to predict the effect of missense changes on protein structure and function outputs the following: PolyPhen-2: "Benign". The tyrosine amino acid residue is found in multiple mammalian species, which suggests that this missense change does not adversely affect protein function. In summary, the available evidence is currently insufficient to determine the role of this variant in disease. Therefore, it has been classified as a Variant of Uncertain Significance.

Department of Pathology and Laboratory Medicine, Sinai Health System
Classification: Uncertain significance for Galactosylceramide beta-galactosidase deficiency. Last evaluated: 2021-07-30. Review status: criteria provided, single submitter. Criteria: ACMG Guidelines, 2015. Collection method: research. Allele origin: germline.

NM_000153.4(GALC):c.1171C>T (p.His391Tyr)

Gene: GALC (galactosylceramidase; minus strand). Cytogenetic location: 14q31.3.
Variant type: single nucleotide variant.
Coding change: c.1171C>T on transcript NM_000153.4 (MANE Select); coding-DNA position 1171, C replaced by T.
Protein change: p.His391Tyr; replaces histidine 391 with tyrosine.
Molecular consequence: missense variant. On other transcripts: non-coding transcript variant (1).
Genome position (GRCh38, 1-based): chr14:87,950,739, G>A on the plus strand (C>T on the coding strand, the complement: GALC is on the minus strand). VCF-style: chr14-87950739-G-A. GRCh37 (hg19) VCF-style: chr14-88417083-G-A.
Other names: c.1102C>T, p.His368Tyr (NM_001201401.2); c.1093C>T, p.His365Tyr (NM_001201402.2); c.1003C>T, p.His335Tyr (NM_001424071.1, NM_001424072.1, NM_001424073.1); c.823C>T, p.His275Tyr (NM_001424074.1, NM_001424075.1); c.538C>T, p.His180Tyr (NM_001424076.1, NM_001424077.1); short protein forms H391Y, H180Y, H335Y, H368Y, H365Y, H275Y.
Identifiers: ClinVar variation 3707119 (VCV003707119.3).